The following is an entry in ClinVar:

ClinVar aggregate classification (germline): Uncertain significance (1 of 4 stars; one submission).

Submission:

Women's Health and Genetics/Laboratory Corporation of America, LabCorp
Classification: Uncertain significance. Last evaluated: 2024-12-31. Review status: criteria provided, single submitter. Criteria: LabCorp Variant Classification Summary - May 2015. Collection method: clinical testing. Allele origin: germline.
Comment: Variant summary: CACNA1H c.6887C>A (p.Ser2296Tyr) results in a non-conservative amino acid change in the encoded protein sequence. Three of five in-silico tools predict a benign effect of the variant on protein function. The variant was absent in 248422 control chromosomes. The available data on variant occurrences in the general population are insufficient to allow any conclusion about variant significance. To our knowledge, no occurrence of c.6887C>A in individuals affected with Idiopathic Generalized Epilepsy and no experimental evidence demonstrating its impact on protein function have been reported. No submitters have cited clinical-significance assessments for this variant to ClinVar. Based on the evidence outlined above, the variant was classified as uncertain significance.

NM_021098.3(CACNA1H):c.6887C>A (p.Ser2296Tyr)

Gene: CACNA1H (calcium voltage-gated channel subunit alpha1 H; plus strand). Cytogenetic location: 16p13.3.
Variant type: single nucleotide variant.
Coding change: c.6887C>A on transcript NM_021098.3 (MANE Select); coding-DNA position 6887, C replaced by A.
Protein change: p.Ser2296Tyr; replaces serine 2296 with tyrosine.
Molecular consequence: missense variant.
Genome position (GRCh38, 1-based): chr16:1,220,819, C>A. VCF-style: chr16-1220819-C-A. GRCh37 (hg19) VCF-style: chr16-1270819-C-A.
Other names: c.6869C>A, p.Ser2290Tyr (NM_001005407.2); short protein forms S2290Y, S2296Y.
Identifiers: ClinVar variation 3768486 (VCV003768486.1).